The following is an entry in ClinVar:

ClinVar aggregate classification (germline): Uncertain significance (1 of 4 stars; one submission).

Conditions:
Peroxisome biogenesis disorder, complementation group 7 (CG7). Also called: Peroxisome biogenesis disorder, complementation group B. Identifiers: MedGen C1864399.

Submission:

Labcorp Genetics (formerly Invitae), Labcorp
Classification: Uncertain significance for Peroxisome biogenesis disorder, complementation group 7. Last evaluated: 2023-01-03. Review status: criteria provided, single submitter. Criteria: Invitae Variant Classification Sherloc (09022015). Collection method: clinical testing. Allele origin: germline.
Comment: In summary, the available evidence is currently insufficient to determine the role of this variant in disease. Therefore, it has been classified as a Variant of Uncertain Significance. Algorithms developed to predict the effect of missense changes on protein structure and function (SIFT, PolyPhen-2, Align-GVGD) all suggest that this variant is likely to be disruptive. This variant has not been reported in the literature in individuals affected with PEX10-related conditions. This variant is not present in population databases (gnomAD no frequency). This sequence change replaces proline, which is neutral and non-polar, with glutamine, which is neutral and polar, at codon 9 of the PEX10 protein (p.Pro9Gln).

NM_002617.4(PEX10):c.26C>A (p.Pro9Gln)

Gene: PEX10 (peroxisomal biogenesis factor 10; minus strand). Cytogenetic location: 1p36.32.
Variant type: single nucleotide variant.
Coding change: c.26C>A on transcript NM_002617.4 (MANE Select); coding-DNA position 26, C replaced by A.
Protein change: p.Pro9Gln; replaces proline 9 with glutamine.
Molecular consequence: missense variant. On other transcripts: intron variant (2).
Genome position (GRCh38, 1-based): chr1:2,412,477, G>T on the plus strand (C>A on the coding strand, the complement: PEX10 is on the minus strand). VCF-style: chr1-2412477-G-T. GRCh37 (hg19) VCF-style: chr1-2343916-G-T.
Other names: c.26C>A, p.Pro9Gln (NM_001374425.1, NM_153818.2); c.-321+1120C>A (NM_001374427.1, NM_001374426.1); short protein forms P9Q.
Identifiers: ClinVar variation 2811008 (VCV002811008.3), dbSNP rs1018790780, ClinGen allele CA16947571.